The following is an entry in ClinVar:

ClinVar aggregate classification (germline): Pathogenic (1 of 4 stars; one submission).

Allele frequency attached by ClinVar (database versions not stated): gnomAD exomes below 0.00001; ExAC 0.00001; gnomAD 0.00001; TOPMed 0.00001.

Submission:

Labcorp Genetics (formerly Invitae), Labcorp
Classification: Pathogenic. Last evaluated: 2024-07-02. Review status: criteria provided, single submitter. Criteria: Invitae Variant Classification Sherloc (09022015). Collection method: clinical testing. Allele origin: germline.
Comment: This sequence change creates a premature translational stop signal (p.Gln117Argfs*16) in the ADAMTSL4 gene. It is expected to result in an absent or disrupted protein product. Loss-of-function variants in ADAMTSL4 are known to be pathogenic (PMID: 20564469, 28642162). This variant is present in population databases (rs749545274, gnomAD 0.0009%). This variant has not been reported in the literature in individuals affected with ADAMTSL4-related conditions. ClinVar contains an entry for this variant (Variation ID: 1952046). For these reasons, this variant has been classified as Pathogenic.

Literature cited by the submitters: PubMed 20564469; PubMed 28642162.

NM_019032.6(ADAMTSL4):c.350del (p.Gln117fs)

Genes: ADAMTSL4 (ADAMTS like 4; plus strand), ADAMTSL4-AS2 (ADAMTSL4 antisense RNA 2; minus strand). Cytogenetic location: 1q21.2.
Variant type: Deletion.
Coding change: c.350del on transcript NM_019032.6 (MANE Select); coding-DNA position 350, one base deleted (A; older notation c.350delA).
Protein change: p.Gln117fs; shifts the reading frame from glutamine 117.
Molecular consequence: frameshift variant.
Genome position (GRCh38, 1-based): chr1:150,553,169, A deleted. VCF-style (leftmost placement, unchanged base first): chr1-150553168-CA-C. GRCh37 (hg19) VCF-style: chr1-150525644-CA-C.
Other names: c.350del, p.Gln117fs (NM_001288607.2, NM_001288608.2, NM_001378596.1 and 1 more transcripts); short protein forms Q117fs.
Identifiers: ClinVar variation 1952046 (VCV001952046.5), dbSNP rs749545274, ClinGen allele CA1077929.